The following is an entry in ClinVar:

NM_001130987.2(DYSF):c.742A>T (p.Lys248Ter)

Gene: DYSF (dysferlin; plus strand). Cytogenetic location: 2p13.2.
Variant type: single nucleotide variant.
Coding change: c.742A>T on transcript NM_001130987.2 (MANE Select); coding-DNA position 742, A replaced by T.
Protein change: p.Lys248Ter; replaces lysine 248 with a stop codon.
Molecular consequence: nonsense.
Genome position (GRCh38, 1-based): chr2:71,513,904, A>T. VCF-style: chr2-71513904-A-T. GRCh37 (hg19) VCF-style: chr2-71741034-A-T.
Other names: c.649A>T, p.Lys217Ter (NM_001130455.2, NM_001130983.2, NM_001130984.2 and 1 more transcripts); c.646A>T, p.Lys216Ter (NM_001130976.2, NM_001130977.2, NM_001130978.2 and 1 more transcripts); c.739A>T, p.Lys247Ter (NM_001130979.2, NM_001130980.2, NM_001130981.2); c.742A>T, p.Lys248Ter (NM_001130982.2, NM_001130985.2); short protein forms K216*, K217*, K247*, K248*.
Identifiers: ClinVar variation 1725136 (VCV001725136.3), dbSNP rs2545397244, ClinGen allele CA347207611.
Genomic context (GRCh38, chr2:71,513,904, plus strand): 5'-CACTACCCCGGGATCAAAAGAAAGCGAAGTGCGCCTACATCTAGAAAGCTGCTGTCAGAC[A>T]AACCGCAGGATTTCCAGGTGATGAACGGGCTTTCTCTGACCCCAGGCTCCTCTTCAGCCA-3'

ClinVar aggregate classification (germline): Likely pathogenic (1 of 4 stars; one submission).

Conditions:
Autosomal recessive limb-girdle muscular dystrophy. Identifiers: Orphanet 102015, MedGen C2931907, MONDO:0015152.

Submission:

Myriad Genetics, Inc.
Classification: Likely pathogenic for Autosomal recessive limb-girdle muscular dystrophy. Last evaluated: 2022-03-09. Review status: criteria provided, single submitter. Criteria: Myriad Autosomal Dominant, Autosomal Recessive and X-Linked Classification Criteria (2023). Collection method: clinical testing. Allele origin: unknown.
Comment: NM_003494.3(DYSF):c.646A>T(K216*) is expected to be pathogenic in the context of dysferlinopathy. This variant is predicted to lead to an abnormal or absent protein product due to the creation of a premature termination codon in DYSF, a gene where loss-of-function variants are known to be pathogenic. Please note: this variant was assessed in the context of healthy population screening.